The following is an entry in ClinVar:

NM_004960.4(FUS):c.318C>T (p.Pro106=)

Gene: FUS (FUS RNA binding protein; plus strand). Cytogenetic location: 16p11.2.
Variant type: single nucleotide variant.
Coding change: c.318C>T on transcript NM_004960.4 (MANE Select); coding-DNA position 318, C replaced by T.
Protein change: p.Pro106=; no amino-acid change (proline 106 retained).
Molecular consequence: synonymous variant. On other transcripts: non-coding transcript variant (1).
Genome position (GRCh38, 1-based): chr16:31,183,985, C>T. VCF-style: chr16-31183985-C-T. GRCh37 (hg19) VCF-style: chr16-31195306-C-T.
Other names: p.Pro106=; c.315C>T, p.Pro105= (NM_001170634.1); c.318C>T, p.Pro106= (NM_001170937.1); c.318C>T (NM_004960.3).
Identifiers: ClinVar variation 1581652 (VCV001581652.9), dbSNP rs200264709, ClinGen allele CA280593513.

ClinVar aggregate classification (germline): Likely benign. Review status: criteria provided, multiple submitters, no conflicts (2 of 4 stars). 2 submissions from 2 submitters: Likely benign (2). Last evaluated 2025-09-11.

Conditions:
Tremor, hereditary essential, 4 (ETM4). Identifiers: MedGen C3539195, MONDO:0013888, OMIM 614782.
Amyotrophic lateral sclerosis type 6. Also called: FUS-Related Amyotrophic Laterial Sclerosis; Amyotrophic lateral sclerosis 6, with or without frontotemporal dementia; AMYOTROPHIC LATERAL SCLEROSIS 6 WITHOUT FRONTOTEMPORAL DEMENTIA. Identifiers: Orphanet 275872, Orphanet 803, MedGen C2931786, MONDO:0011951, OMIM 608030.

Allele frequency attached by ClinVar (database versions not stated): gnomAD exomes below 0.00001 and 0.00008; gnomAD 0.00001; TOPMed 0.00001.
gnomAD v4.1: 113 of 1,613,992 alleles (0.007%); highest among the groups gnomAD compares: Non-Finnish European, 0.0095%; no homozygotes.

Submissions (2):

Mayo Clinic Laboratories, Mayo Clinic
Classification: Likely benign. Last evaluated: 2025-09-11. Review status: criteria provided, single submitter. Criteria: ACMG Guidelines, 2015. Collection method: clinical testing. Allele origin: germline. Observed: 1 variant allele.
Comment: BP4, BP7

Labcorp Genetics (formerly Invitae), Labcorp
Classification: Likely benign for Tremor, hereditary essential, 4; Amyotrophic lateral sclerosis type 6. Last evaluated: 2021-06-26. Review status: criteria provided, single submitter. Criteria: Invitae Variant Classification Sherloc (09022015). Collection method: clinical testing. Allele origin: germline.